The following is an entry in ClinVar:

NM_001003694.2(BRPF1):c.3205+3A>G

Gene: BRPF1 (bromodomain and PHD finger containing 1; plus strand). Cytogenetic location: 3p25.3.
Variant type: single nucleotide variant.
Coding change: c.3205+3A>G on transcript NM_001003694.2 (MANE Select); 3 bases into the intron after coding-DNA position 3205, A replaced by G.
Molecular consequence: intron variant.
Genome position (GRCh38, 1-based): chr3:9,745,712, A>G. VCF-style: chr3-9745712-A-G. GRCh37 (hg19) VCF-style: chr3-9787396-A-G.
Other names: c.3202+3A>G (NM_001410704.1); c.3187+3A>G (NM_004634.3); c.2902+3A>G (NM_001319049.2); c.3184+3A>G (NM_001319050.2).
Identifiers: ClinVar variation 3348075 (VCV003348075.1).

ClinVar aggregate classification (germline): Likely benign (0 of 4 stars; one submission).

Conditions:
BRPF1-related disorder. Also called: BRPF1-related condition.

gnomAD v4.1: 1 of 1,613,790 alleles (0.000062%); highest among the groups gnomAD compares: Admixed American, 0.0017%; no homozygotes.

Submission:

PreventionGenetics, part of Exact Sciences
Classification: Likely benign for BRPF1-related condition. Last evaluated: 2024-06-06. Review status: no assertion criteria provided. Collection method: clinical testing. Allele origin: germline.
Comment: This variant is classified as likely benign based on ACMG/AMP sequence variant interpretation guidelines (Richards et al. 2015 PMID: 25741868, with internal and published modifications).